The following is an entry in ClinVar:

ClinVar aggregate classification (germline): Uncertain significance (1 of 4 stars; one submission).

Conditions:
Primary hyperoxaluria, type I (HP1). Also called: OXALOSIS I; Primary hyperoxaluria type 1; GLYCOLIC ACIDURIA; HEPATIC AGT DEFICIENCY. Identifiers: Orphanet 416, Orphanet 93598, MedGen C0268164, MONDO:0009823, OMIM 259900. Disease mechanism: loss of function.

Submission:

Rare Kidney Stone Consortium and the Mayo Clinic Hyperoxaluria Center, Mayo Clinic
Classification: Uncertain significance for Primary hyperoxaluria, type I. Last evaluated: 2023-10-27. Review status: criteria provided, single submitter. Criteria: ACMG Guidelines, 2015. Collection method: clinical testing. Allele origin: germline. Affected: yes.
Comment: ACMG: PM2 PP3 PP4 PP5

Literature cited by the submitters: PubMed 25644115.

NM_000030.3(AGXT):c.815T>C (p.Leu272Pro)

Gene: AGXT (alanine--glyoxylate aminotransferase; plus strand). Cytogenetic location: 2q37.3.
Variant type: single nucleotide variant.
Coding change: c.815T>C on transcript NM_000030.3 (MANE Select); coding-DNA position 815, T replaced by C.
Protein change: p.Leu272Pro; replaces leucine 272 with proline.
Molecular consequence: missense variant.
Genome position (GRCh38, 1-based): chr2:240,875,973, T>C. VCF-style: chr2-240875973-T-C. GRCh37 (hg19) VCF-style: chr2-241815390-T-C.
Other names: short protein forms L272P.
Identifiers: ClinVar variation 2664135 (VCV002664135.1), dbSNP rs2528758366, ClinGen allele CA351318368.